The following is an entry in ClinVar:

ClinVar aggregate classification (germline): Benign. Review status: reviewed by expert panel (3 of 4 stars). 4 submissions from 4 submitters: Benign (1). 3 of the submissions do not count toward it. Last evaluated 2026-08-26.

Conditions:
RMRP-related disorder. Also called: RMRP-related condition.
Anauxetic dysplasia. Identifiers: Orphanet 93347, MedGen C1846796, MONDO:0011773.
Metaphyseal chondrodysplasia, McKusick type (CHH). Also called: Cartilage-Hair Hypoplasia (CHH); Cartilage-hair hypoplasia. Identifiers: Orphanet 175, MedGen C0220748, MONDO:0009595, OMIM 250250.

Allele frequency attached by ClinVar (database versions not stated): gnomAD 0.00022; ExAC 0.00028; TOPMed 0.00030; 1000 Genomes Project 30x 0.00031; 1000 Genomes Project 0.00040; gnomAD exomes 0.00050.
gnomAD v4.1: 234 of 700,454 alleles (0.033%); highest among the groups gnomAD compares: East Asian, 0.53%; no homozygotes.

Submissions (4):

ClinGen Severe Combined Immunodeficiency Variant Curation Expert Panel, ClinGen
Classification: Benign for Metaphyseal chondrodysplasia, McKusick type. Last evaluated: 2026-08-26. Review status: reviewed by expert panel. Criteria: ClinGen SCID ACMG Specifications RMRP V1.3. Collection method: curation. Allele origin: germline. Inheritance: Autosomal recessive inheritance.
Comment: The NC_000009.12:g.35657856G>A variant is also known as NR_003051.4(RMRP):n.164C>T, in RMRP gene. The Grpmax filtering allele frequency of this variant in gnomAD v4.1.1 (East Asian population) is 0.00468, which is higher than the ClinGen SCID VCEP threshold (>0.00400) for BA1, and therefore meets this criterion (BA1). Therefore, this variant is classified as benign for autosomal recessive cartilage-hair hypoplasia based on the ACMG/AMP criteria applied, as specified by the ClinGen SCID VCEP: BA1. (VCEP specifications version 1.3.0) [Evidences: BA1]

Labcorp Genetics (formerly Invitae), Labcorp
Classification: Likely benign for Anauxetic dysplasia. Last evaluated: 2026-02-01. Review status: criteria provided, single submitter. Criteria: Invitae Variant Classification Sherloc (09022015). Collection method: clinical testing. Allele origin: germline. Not counted in ClinVar's aggregate classification.

Natera, Inc.
Classification: Uncertain significance for Cartilage-hair hypoplasia. Last evaluated: 2020-01-13. Review status: no assertion criteria provided. Collection method: clinical testing. Allele origin: germline. Not counted in ClinVar's aggregate classification.

PreventionGenetics, part of Exact Sciences
Classification: Likely benign for RMRP-related condition. Last evaluated: 2019-12-06. Review status: no assertion criteria provided. Collection method: clinical testing. Allele origin: germline. Not counted in ClinVar's aggregate classification.
Comment: This variant is classified as likely benign based on ACMG/AMP sequence variant interpretation guidelines (Richards et al. 2015 PMID: 25741868, with internal and published modifications).

NR_003051.4(RMRP):n.164C>T

Gene: RMRP (RNA component of mitochondrial RNA processing endoribonuclease; minus strand). Cytogenetic location: 9p13.3.
Variant type: single nucleotide variant.
Genome position: GRCh38 VCF-style: chr9-35657856-G-A. GRCh37 (hg19) VCF-style: chr9-35657853-G-A.
Identifiers: ClinVar variation 754124 (VCV000754124.15), dbSNP rs550203343, ClinGen allele CA5045828.